The following is an entry in ClinVar:

NM_000116.5(TAFAZZIN):c.777+3G>A

Gene: TAFAZZIN (tafazzin, phospholipid-lysophospholipid transacylase; plus strand). Cytogenetic location: Xq28.
Variant type: single nucleotide variant.
Coding change: c.777+3G>A on transcript NM_000116.5 (MANE Select); 3 bases into the intron after coding-DNA position 777, G replaced by A.
Molecular consequence: intron variant.
Genome position (GRCh38, 1-based): chrX:154,420,738, G>A. VCF-style: chrX-154420738-G-A. GRCh37 (hg19) VCF-style: chrX-153649077-G-A.
Other names: c.789+3G>A (NM_001303465.2); c.735+3G>A (NM_181312.4); c.687+3G>A (NM_181311.4); c.645+3G>A (NM_181313.4).
Identifiers: ClinVar variation 957840 (VCV000957840.4), dbSNP rs2068606988, ClinGen allele CA1139667863.

ClinVar aggregate classification (germline): Uncertain significance (1 of 4 stars; one submission).

Conditions:
3-Methylglutaconic aciduria type 2 (BTHS). Also called: CARDIOSKELETAL MYOPATHY WITH NEUTROPENIA AND ABNORMAL MITOCHONDRIA; Barth syndrome. Identifiers: Orphanet 111, MedGen C0574083, MONDO:0010543, OMIM 302060.

Allele frequency attached by ClinVar (database versions not stated): gnomAD exomes below 0.00001.
gnomAD v4.1: 2 of 1,211,339 alleles (0.00017%); highest among the groups gnomAD compares: Admixed American, 0.0043%; no homozygotes.

Submission:

Labcorp Genetics (formerly Invitae), Labcorp
Classification: Uncertain significance for 3-Methylglutaconic aciduria type 2. Last evaluated: 2022-01-17. Review status: criteria provided, single submitter. Criteria: Invitae Variant Classification Sherloc (09022015). Collection method: clinical testing. Allele origin: germline.
Comment: In summary, the available evidence is currently insufficient to determine the role of this variant in disease. Therefore, it has been classified as a Variant of Uncertain Significance. Variants that disrupt the consensus splice site are a relatively common cause of aberrant splicing (PMID: 17576681, 9536098). Algorithms developed to predict the effect of sequence changes on RNA splicing suggest that this variant may create or strengthen a splice site. ClinVar contains an entry for this variant (Variation ID: 957840). This variant has not been reported in the literature in individuals affected with TAZ-related conditions. This variant is not present in population databases (gnomAD no frequency). This sequence change falls in intron 10 of the TAZ gene. It does not directly change the encoded amino acid sequence of the TAZ protein. It affects a nucleotide within the consensus splice site.

Literature cited by the submitters: PubMed 17576681; PubMed 9536098.